The following is an entry in ClinVar:

NM_001378457.1(DMXL2):c.930+5T>G

Gene: DMXL2 (Dmx like 2; minus strand). Cytogenetic location: 15q21.2.
Variant type: single nucleotide variant.
Coding change: c.930+5T>G on transcript NM_001378457.1 (MANE Select); 5 bases into the intron after coding-DNA position 930, T replaced by G.
Molecular consequence: intron variant.
Genome position (GRCh38, 1-based): chr15:51,545,578, A>C on the plus strand (T>G on the coding strand, the complement: DMXL2 is on the minus strand). VCF-style: chr15-51545578-A-C. GRCh37 (hg19) VCF-style: chr15-51837775-A-C.
Other names: c.930+5T>G (NM_001378460.1, NM_001174117.3, NM_015263.5 and 7 more transcripts).
Identifiers: ClinVar variation 2111942 (VCV002111942.4), dbSNP rs2548637507, ClinGen allele CA2580089782.

ClinVar aggregate classification (germline): Uncertain significance (1 of 4 stars; one submission).

Submission:

Labcorp Genetics (formerly Invitae), Labcorp
Classification: Uncertain significance. Last evaluated: 2022-08-22. Review status: criteria provided, single submitter. Criteria: Invitae Variant Classification Sherloc (09022015). Collection method: clinical testing. Allele origin: germline.
Comment: In summary, the available evidence is currently insufficient to determine the role of this variant in disease. Therefore, it has been classified as a Variant of Uncertain Significance. Variants that disrupt the consensus splice site are a relatively common cause of aberrant splicing (PMID: 17576681, 9536098). Algorithms developed to predict the effect of sequence changes on RNA splicing suggest that this variant is not likely to affect RNA splicing. This variant has not been reported in the literature in individuals affected with DMXL2-related conditions. This variant is not present in population databases (gnomAD no frequency). This sequence change falls in intron 8 of the DMXL2 gene. It does not directly change the encoded amino acid sequence of the DMXL2 protein. It affects a nucleotide within the consensus splice site.

Literature cited by the submitters: PubMed 17576681; PubMed 9536098.